The following is an entry in ClinVar:

NM_004985.5(KRAS):c.451-10T>C

Gene: KRAS (KRAS proto-oncogene, GTPase; minus strand). Cytogenetic location: 12p12.1.
Variant type: single nucleotide variant.
Coding change: c.451-10T>C on transcript NM_004985.5 (MANE Select); 10 bases into the intron before coding-DNA position 451, T replaced by C.
Molecular consequence: intron variant.
Genome position (GRCh38, 1-based): chr12:25,209,921, A>G on the plus strand (T>C on the coding strand, the complement: KRAS is on the minus strand). VCF-style: chr12-25209921-A-G. GRCh37 (hg19) VCF-style: chr12-25362855-A-G.
Other names: c.451-10T>C (NM_001369787.1); c.*5-10T>C (NM_001369786.1, NM_033360.4).
Identifiers: ClinVar variation 227472 (VCV000227472.6), dbSNP rs876657481, ClinGen allele CA10576918.

ClinVar aggregate classification (germline): Likely benign. Review status: criteria provided, multiple submitters, no conflicts (2 of 4 stars). 2 submissions from 2 submitters: Likely benign (2). Last evaluated 2024-09-17.

Conditions:
RASopathy. Also called: rasopathies; Noonan spectrum disorder. Identifiers: Orphanet 536391, MedGen C5555857, MONDO:0021060.

Allele frequency attached by ClinVar (database versions not stated): gnomAD exomes below 0.00001.
gnomAD v4.1: 1 of 1,595,934 alleles (0.000063%); highest among the groups gnomAD compares: Non-Finnish European, 0.000086%; no homozygotes.

Submissions (2):

Labcorp Genetics (formerly Invitae), Labcorp
Classification: Likely benign for RASopathy. Last evaluated: 2024-09-17. Review status: criteria provided, single submitter. Criteria: Invitae Variant Classification Sherloc (09022015). Collection method: clinical testing. Allele origin: germline.

Laboratory for Molecular Medicine, Mass General Brigham Personalized Medicine
Classification: Likely benign. Last evaluated: 2016-02-19. Review status: criteria provided, single submitter. Criteria: LMM Criteria. Collection method: clinical testing. Allele origin: germline. Observed: 1 variant allele.
Comment: c.451-10T>C in intron 4 of KRAS: This variant is not expected to have clinical s ignificance because a T>C change at this position does not diverge from the spli ce consensus sequence and is therefore unlikely to impact splicing.